The following is an entry in ClinVar:

NM_001130105.1(CERT1):c.55T>G (p.Phe19Val)

Genes: CERT1 (ceramide transporter 1; minus strand), POLK (DNA polymerase kappa; plus strand). Cytogenetic location: 5q13.3.
Variant type: single nucleotide variant.
Coding change: c.55T>G on transcript NM_001130105.1; coding-DNA position 55, T replaced by G.
Protein change: p.Phe19Val; replaces phenylalanine 19 with valine.
Molecular consequence: missense variant.
Genome position (GRCh38, 1-based): chr5:75,511,790, A>C on the plus strand (T>G on the coding strand, the complement: CERT1 is on the minus strand). VCF-style: chr5-75511790-A-C. GRCh37 (hg19) VCF-style: chr5-74807615-A-C.
Other names: c.-138A>C (NM_016218.3); short protein forms F19V.
Identifiers: ClinVar variation 975373 (VCV000975373.30), dbSNP rs202137230, ClinGen allele CA3309445.
Genomic context (GRCh38, chr5:75,511,790, plus strand): 5'-GCCTTCGGGATCCTCCTCCCGAACCCTACCTCCGGCTCTCCCGGGTGACGACGGGTAGAA[A>C]AGCAGGAGGAGCGGAGAAAGGAGAGGGCGGGGTAGGGATGCAGCTGTGCTGCATTCTGGG-3'

ClinVar aggregate classification (germline): Likely benign. Review status: criteria provided, multiple submitters, no conflicts (2 of 4 stars). 5 submissions from 5 submitters: Likely benign (4). 1 of the submissions does not count toward it. Last evaluated 2024-10-14.

Conditions:
Intellectual disability, autosomal dominant 34 (NEDHSF). Also called: NEURODEVELOPMENTAL DISORDER WITH HYPOTONIA, SPEECH DELAY, AND DYSMORPHIC FACIES; CERTRA SYNDROME; INTELLECTUAL DEVELOPMENTAL DISORDER, AUTOSOMAL DOMINANT 34; Ceramide Transporter Syndrome. Identifiers: MedGen C4225156, MONDO:0014599, OMIM 616351.
Intellectual disability. Also called: Intellectual functioning disability; Intellectual developmental disorder; intellectual disabilities. Identifiers: MedGen C3714756, MeSH D008607, MONDO:0001071, HP:0001249.

Allele frequency attached by ClinVar (database versions not stated): 1000 Genomes Project 0.00060; 1000 Genomes Project 30x 0.00094; TOPMed 0.00034; ExAC 0.00025; gnomAD exomes 0.00033.
gnomAD v4.1: 344 of 1,551,408 alleles (0.022%); highest among the groups gnomAD compares: Middle Eastern, 0.23%; 2 homozygotes.

Submissions (5):

Blueprint Genetics
Classification: Likely benign. Last evaluated: 2024-10-14. Review status: criteria provided, single submitter. Criteria: ACMG Guidelines, 2015. Collection method: clinical testing. Allele origin: germline.

CeGaT Center for Human Genetics Tuebingen
Classification: Likely benign. Last evaluated: 2024-07-01. Review status: criteria provided, single submitter. Criteria: CeGaT Center For Human Genetics Tuebingen Variant Classification Criteria Version 2. Collection method: clinical testing. Allele origin: germline. Affected: yes. Observed: 4 variant alleles.
Comment: CERT1: BP4, BS1

Department of Pathology and Laboratory Medicine, Sinai Health System
Classification: Likely benign for Intellectual disability, autosomal dominant 34. Last evaluated: 2020-11-06. Review status: criteria provided, single submitter. Criteria: ACMG Guidelines, 2015. Collection method: research. Allele origin: germline.

Breakthrough Genomics
Classification: Likely benign. Review status: criteria provided, single submitter. Criteria: ACMG Guidelines, 2015. Collection method: not provided. Allele origin: germline. Inheritance: Autosomal dominant inheritance. Affected: yes.

Centre de Biologie Pathologie Génétique, Centre Hospitalier Universitaire de Lille
Classification: Likely benign for Intellectual disability. Last evaluated: 2019-01-01. Review status: no assertion criteria provided. Collection method: clinical testing. Allele origin: inherited. Affected: yes. Not counted in ClinVar's aggregate classification.